The following is an entry in ClinVar:

ClinVar aggregate classification (germline): Uncertain significance (1 of 4 stars; one submission).

Conditions:
Inborn genetic diseases. Identifiers: MedGen C0950123, MeSH D030342.

Submission:

Ambry Genetics
Classification: Uncertain significance for Inborn genetic diseases. Last evaluated: 2025-09-12. Review status: criteria provided, single submitter. Criteria: Ambry Variant Classification Scheme 2023. Collection method: clinical testing. Allele origin: germline.
Comment: The p.R916G variant (also known as c.2746A>G), located in coding exon 13 of the ASXL1 gene, results from an A to G substitution at nucleotide position 2746. The arginine at codon 916 is replaced by glycine, an amino acid with dissimilar properties. This amino acid position is conserved. In addition, this alteration is predicted to be tolerated by in silico analysis. Based on the available evidence, the clinical significance of this variant remains unclear.

NM_015338.6(ASXL1):c.2746A>G (p.Arg916Gly)

Gene: ASXL1 (ASXL transcriptional regulator 1; plus strand). Cytogenetic location: 20q11.21.
Variant type: single nucleotide variant.
Coding change: c.2746A>G on transcript NM_015338.6 (MANE Select); coding-DNA position 2746, A replaced by G.
Protein change: p.Arg916Gly; replaces arginine 916 with glycine.
Molecular consequence: missense variant.
Genome position (GRCh38, 1-based): chr20:32,435,458, A>G. VCF-style: chr20-32435458-A-G. GRCh37 (hg19) VCF-style: chr20-31023261-A-G.
Other names: c.2563A>G, p.Arg855Gly (NM_001363734.1); short protein forms R916G, R855G.
Identifiers: ClinVar variation 4159659 (VCV004159659.1).